The following is an entry in ClinVar:

ClinVar aggregate classification (germline): Pathogenic (0 of 4 stars; one submission).

Conditions:
Vitelliform macular dystrophy 2. Also called: Best Macular Dystrophy; Best Vitelliform Macular Dystrophy (BVMD); VITELLIFORM MACULAR DYSTROPHY, EARLY-ONSET; VITELLIFORM MACULAR DYSTROPHY, JUVENILE-ONSET; Best vitelliform macular dystrophy, multifocal; MACULAR DEGENERATION, POLYMORPHIC VITELLINE. Identifiers: Orphanet 1243, MedGen C2745945, MONDO:0007931, OMIM 153700.

Submission:

Laboratorio de Imunogenetica e Histocompatibilidade, Universidade Federal do Parana
Classification: Pathogenic for Vitelliform macular dystrophy 2. Last evaluated: 2015-01-21. Review status: no assertion criteria provided. Collection method: research. Allele origin: germline. Affected: yes.
Comment: c.910G>A was found in one family (father and 3 sons). All patients were diagnosed with Best disease. It was considered potentially pathogenic in all computational simulations.

This SNP was deposited in Vision variation Database

NM_004183.4(BEST1):c.910G>A (p.Asp304Asn)

Gene: BEST1 (bestrophin 1; plus strand). Cytogenetic location: 11q12.3.
Variant type: single nucleotide variant.
Coding change: c.910G>A on transcript NM_004183.4 (MANE Select); coding-DNA position 910, G replaced by A.
Protein change: p.Asp304Asn; replaces aspartic acid 304 with asparagine.
Molecular consequence: missense variant. On other transcripts: non-coding transcript variant (1), intron variant (1).
Genome position (GRCh38, 1-based): chr11:61,959,540, G>A. VCF-style: chr11-61959540-G-A. GRCh37 (hg19) VCF-style: chr11-61727012-G-A.
Other names: c.730G>A, p.Asp244Asn (NM_001139443.3, NM_001300787.2); c.592G>A, p.Asp198Asn (NM_001363591.3); c.1113G>A, p.Met371Ile (NM_001363592.2); c.-63G>A (NM_001363593.3); c.688-352G>A (NM_001300786.2); short protein forms D304N, D244N, M371I, D198N.
Identifiers: ClinVar variation 496689 (VCV000496689.2), dbSNP rs1554963095, ClinGen allele CA380843918.
Genomic context (GRCh38, chr11:61,959,540, plus strand): 5'-GCCTCACCTGTCCCCAAGGTGGCAGAGCAGCTCATCAACCCCTTTGGAGAGGATGATGAT[G>A]ATTTTGAGACCAACTGGATTGTCGACAGGAATTTGCAGGTATGGGGAGAGGGAGAGAAAC-3'
Protein context (NP_004174.1, residues 294-314): LINPFGEDDD[Asp304Asn]FETNWIVDRN